The following is an entry in ClinVar:

NM_006015.6(ARID1A):c.5287G>C (p.Glu1763Gln)

Gene: ARID1A (AT-rich interaction domain 1A; plus strand). Cytogenetic location: 1p36.11.
Variant type: single nucleotide variant.
Coding change: c.5287G>C on transcript NM_006015.6 (MANE Select); coding-DNA position 5287, G replaced by C.
Protein change: p.Glu1763Gln; replaces glutamic acid 1763 with glutamine.
Molecular consequence: missense variant.
Genome position (GRCh38, 1-based): chr1:26,779,185, G>C. VCF-style: chr1-26779185-G-C. GRCh37 (hg19) VCF-style: chr1-27105676-G-C.
Other names: c.4636G>C, p.Glu1546Gln (NM_139135.4); short protein forms E1546Q, E1763Q.
Identifiers: ClinVar variation 3667216 (VCV003667216.2).
Genomic context (GRCh38, chr1:26,779,185, plus strand): 5'-ACGCTACTGGATCCTGGGAGGTTCAGCAAGGTGTCTAGTCCAGCTCCCATGGAGGGTGGG[G>C]AAGAAGAAGAAGAACTTCTAGGTCCTAAACTAGAAGAGGAAGAAGAAGAGGAAGTAGTTG-3'
Protein context (NP_006006.3, residues 1753-1773): VSSPAPMEGG[Glu1763Gln]EEEELLGPKL

ClinVar aggregate classification (germline): Uncertain significance (1 of 4 stars; one submission).

gnomAD v4.1: 3 of 1,605,834 alleles (0.00019%); highest among the groups gnomAD compares: Non-Finnish European, 0.00026%; no homozygotes.

Submission:

Labcorp Genetics (formerly Invitae), Labcorp
Classification: Uncertain significance. Last evaluated: 2024-11-19. Review status: criteria provided, single submitter. Criteria: Invitae Variant Classification Sherloc (09022015). Collection method: clinical testing. Allele origin: germline.
Comment: This sequence change replaces glutamic acid, which is acidic and polar, with glutamine, which is neutral and polar, at codon 1763 of the ARID1A protein (p.Glu1763Gln). This variant is not present in population databases (gnomAD no frequency). This variant has not been reported in the literature in individuals affected with ARID1A-related conditions. Invitae Evidence Modeling of protein sequence and biophysical properties (such as structural, functional, and spatial information, amino acid conservation, physicochemical variation, residue mobility, and thermodynamic stability) indicates that this missense variant is not expected to disrupt ARID1A protein function with a negative predictive value of 80%. In summary, the available evidence is currently insufficient to determine the role of this variant in disease. Therefore, it has been classified as a Variant of Uncertain Significance.